The following is an entry in ClinVar:

NM_001378454.1(ALMS1):c.650T>C (p.Ile217Thr)

Gene: ALMS1 (ALMS1 centrosome and basal body associated protein; plus strand). Cytogenetic location: 2p13.1.
Variant type: single nucleotide variant.
Coding change: c.650T>C on transcript NM_001378454.1 (MANE Select); coding-DNA position 650, T replaced by C.
Protein change: p.Ile217Thr; replaces isoleucine 217 with threonine.
Molecular consequence: missense variant.
Genome position (GRCh38, 1-based): chr2:73,422,860, T>C. VCF-style: chr2-73422860-T-C. GRCh37 (hg19) VCF-style: chr2-73649988-T-C.
Other names: c.653T>C, p.Ile218Thr (NM_015120.4); short protein forms I218T, I217T.
Identifiers: ClinVar variation 2061719 (VCV002061719.1), dbSNP rs4482512, ClinGen allele CA1712928.

ClinVar aggregate classification (germline): Uncertain significance (1 of 4 stars; one submission).

Conditions:
Alstrom syndrome (ALMS). Identifiers: Orphanet 64, MedGen C0268425, MONDO:0008763, OMIM 203800.

Allele frequency attached by ClinVar (database versions not stated): TOPMed below 0.00001; ExAC 0.00002; gnomAD exomes 0.00002.
gnomAD v4.1: 21 of 1,610,522 alleles (0.0013%); highest among the groups gnomAD compares: Non-Finnish European, 0.0018%; no homozygotes.

Submission:

Labcorp Genetics (formerly Invitae), Labcorp
Classification: Uncertain significance for Alstrom syndrome. Last evaluated: 2022-07-29. Review status: criteria provided, single submitter. Criteria: Invitae Variant Classification Sherloc (09022015). Collection method: clinical testing. Allele origin: germline.
Comment: This sequence change replaces isoleucine, which is neutral and non-polar, with threonine, which is neutral and polar, at codon 218 of the ALMS1 protein (p.Ile218Thr). This variant is present in population databases (rs4482512, gnomAD 0.003%). This variant has not been reported in the literature in individuals affected with ALMS1-related conditions. Experimental studies and prediction algorithms are not available or were not evaluated, and the functional significance of this variant is currently unknown. In summary, the available evidence is currently insufficient to determine the role of this variant in disease. Therefore, it has been classified as a Variant of Uncertain Significance.